The following is an entry in ClinVar:

NM_005228.5(EGFR):c.768C>T (p.Asp256=)

Gene: EGFR (epidermal growth factor receptor; plus strand). Cytogenetic location: 7p11.2.
Variant type: single nucleotide variant.
Coding change: c.768C>T on transcript NM_005228.5 (MANE Select); coding-DNA position 768, C replaced by T.
Protein change: p.Asp256=; no amino-acid change (aspartic acid 256 retained).
Molecular consequence: synonymous variant. On other transcripts: intron variant (1).
Genome position (GRCh38, 1-based): chr7:55,154,031, C>T. VCF-style: chr7-55154031-C-T. GRCh37 (hg19) VCF-style: chr7-55221724-C-T.
Other names: c.633C>T, p.Asp211= (NM_001346897.2, NM_001346899.2); c.768C>T, p.Asp256= (NM_001346898.2, NM_201282.2, NM_201283.2 and 1 more transcripts); c.609C>T, p.Asp203= (NM_001346900.2); c.89-1799C>T (NM_001346941.2).
Identifiers: ClinVar variation 1148953 (VCV001148953.35), dbSNP rs146098757, ClinGen allele CA4265359.
Genomic context (GRCh38, chr7:55,154,031, plus strand): 5'-ACTTACCTCACTTGCCCAGCGTGTCCTCTCTCCTCCATAGGTCTGCCGCAAATTCCGAGA[C>T]GAAGCCACGTGCAAGGACACCTGCCCCCCACTCATGCTCTACAACCCCACCACGTACCAG-3'
Protein context (NP_005219.2, residues 246-266): SDCLVCRKFR[Asp256=]EATCKDTCPP

ClinVar aggregate classification (germline): Likely benign. Review status: criteria provided, multiple submitters, no conflicts (2 of 4 stars). 4 submissions from 4 submitters: Likely benign (4). Last evaluated 2026-01-02.

Conditions:
EGFR-related lung cancer (EGFR). Identifiers: MedGen CN130014.
Hereditary cancer-predisposing syndrome. Also called: Tumor predisposition; Hereditary neoplastic syndrome; Hereditary Cancer Syndrome; Neoplastic Syndromes, Hereditary. Identifiers: Orphanet 140162, MedGen C0027672, MeSH D009386, MONDO:0015356.

Allele frequency attached by ClinVar (database versions not stated): gnomAD exomes 0.00002 and 0.00003; gnomAD 0.00003 and 0.00004; TOPMed 0.00005; ExAC 0.00006; ESP Exome Variant Server 0.00008.
gnomAD v4.1: 44 of 1,614,088 alleles (0.0027%); highest among the groups gnomAD compares: Non-Finnish European, 0.0032%; no homozygotes.

Submissions (4):

Labcorp Genetics (formerly Invitae), Labcorp
Classification: Likely benign for EGFR-related lung cancer. Last evaluated: 2026-01-02. Review status: criteria provided, single submitter. Criteria: Invitae Variant Classification Sherloc (09022015). Collection method: clinical testing. Allele origin: germline.

Ambry Genetics
Classification: Likely benign for Hereditary cancer-predisposing syndrome. Last evaluated: 2024-11-28. Review status: criteria provided, single submitter. Criteria: Ambry Variant Classification Scheme 2023. Collection method: clinical testing. Allele origin: germline.

CeGaT Center for Human Genetics Tuebingen
Classification: Likely benign. Last evaluated: 2023-01-01. Review status: criteria provided, single submitter. Criteria: CeGaT Center For Human Genetics Tuebingen Variant Classification Criteria Version 2. Collection method: clinical testing. Allele origin: germline. Affected: yes. Observed: 1 variant allele.
Comment: EGFR: BP4, BP7

Sema4
Classification: Likely benign for Hereditary cancer-predisposing syndrome. Last evaluated: 2021-12-08. Review status: criteria provided, single submitter. Criteria: Sema4 Curation Guidelines. Collection method: curation. Allele origin: germline.